The following is an entry in ClinVar:

NM_004836.7(EIF2AK3):c.1534A>T (p.Lys512Ter)

Gene: EIF2AK3 (eukaryotic translation initiation factor 2 alpha kinase 3; minus strand). Cytogenetic location: 2p11.2.
Variant type: single nucleotide variant.
Coding change: c.1534A>T on transcript NM_004836.7 (MANE Select); coding-DNA position 1534, A replaced by T.
Protein change: p.Lys512Ter; replaces lysine 512 with a stop codon.
Molecular consequence: nonsense.
Genome position (GRCh38, 1-based): chr2:88,585,957, T>A on the plus strand (A>T on the coding strand, the complement: EIF2AK3 is on the minus strand). VCF-style: chr2-88585957-T-A. GRCh37 (hg19) VCF-style: chr2-88885475-T-A.
Other names: c.1081A>T, p.Lys361Ter (NM_001313915.2); short protein forms K361*, K512*.
Identifiers: ClinVar variation 1445792 (VCV001445792.6), dbSNP rs2104429532, ClinGen allele CA347594472.

ClinVar aggregate classification (germline): Pathogenic (1 of 4 stars; one submission).

Submission:

Labcorp Genetics (formerly Invitae), Labcorp
Classification: Pathogenic. Last evaluated: 2021-06-12. Review status: criteria provided, single submitter. Criteria: Invitae Variant Classification Sherloc (09022015). Collection method: clinical testing. Allele origin: germline.
Comment: This sequence change creates a premature translational stop signal (p.Lys512*) in the EIF2AK3 gene. It is expected to result in an absent or disrupted protein product. Loss-of-function variants in EIF2AK3 are known to be pathogenic (PMID: 11997520). This variant is not present in population databases (ExAC no frequency). This variant has not been reported in the literature in individuals with EIF2AK3-related conditions. For these reasons, this variant has been classified as Pathogenic.

Literature cited by the submitters: PubMed 11997520.